The following is an entry in ClinVar:

ClinVar aggregate classification (germline): Uncertain significance (1 of 4 stars; one submission).

Conditions:
Emery-Dreifuss muscular dystrophy 4, autosomal dominant (EDMD4). Also called: EMERY-DREIFUSS MUSCULAR DYSTROPHY 4 WITH VARIABLE FEATURES. Identifiers: Orphanet 261, MedGen C2751807, MONDO:0013071, OMIM 612998.
Autosomal recessive ataxia, Beauce type. Also called: SYNE1-Related Autosomal Recessive Cerebellar Ataxia; Spinocerebellar ataxia, autosomal recessive 8; ATAXIA, RECESSIVE, OF BEAUCE; SYNE1 Deficiency. Identifiers: Orphanet 88644, MedGen C1853116, MONDO:0012549, OMIM 610743.

Allele frequency attached by ClinVar (database versions not stated): gnomAD exomes below 0.00001.
gnomAD v4.1: 2 of 1,614,156 alleles (0.00012%); highest among the groups gnomAD compares: Non-Finnish European, 0.00017%; no homozygotes.

Submission:

Labcorp Genetics (formerly Invitae), Labcorp
Classification: Uncertain significance for Emery-Dreifuss muscular dystrophy 4, autosomal dominant; Autosomal recessive ataxia, Beauce type. Last evaluated: 2021-10-09. Review status: criteria provided, single submitter. Criteria: Invitae Variant Classification Sherloc (09022015). Collection method: clinical testing. Allele origin: germline.
Comment: In summary, the available evidence is currently insufficient to determine the role of this variant in disease. Therefore, it has been classified as a Variant of Uncertain Significance. Algorithms developed to predict the effect of missense changes on protein structure and function (SIFT, PolyPhen-2, Align-GVGD) all suggest that this variant is likely to be tolerated. This variant has not been reported in the literature in individuals affected with SYNE1-related conditions. This variant is not present in population databases (ExAC no frequency). This sequence change replaces asparagine with histidine at codon 4155 of the SYNE1 protein (p.Asn4155His). The asparagine residue is moderately conserved and there is a small physicochemical difference between asparagine and histidine.

NM_182961.4(SYNE1):c.12676A>C (p.Asn4226His)

Gene: SYNE1 (spectrin repeat containing nuclear envelope protein 1; minus strand). Cytogenetic location: 6q25.2.
Variant type: single nucleotide variant.
Coding change: c.12676A>C on transcript NM_182961.4 (MANE Select); coding-DNA position 12676, A replaced by C.
Protein change: p.Asn4226His; replaces asparagine 4226 with histidine.
Molecular consequence: missense variant.
Genome position (GRCh38, 1-based): chr6:152,334,126, T>G on the plus strand (A>C on the coding strand, the complement: SYNE1 is on the minus strand). VCF-style: chr6-152334126-T-G. GRCh37 (hg19) VCF-style: chr6-152655261-T-G.
Other names: c.12463A>C, p.Asn4155His (NM_033071.5); short protein forms N4226H, N4155H.
Identifiers: ClinVar variation 1385627 (VCV001385627.6), dbSNP rs2096319568, ClinGen allele CA366106139.
Genomic context (GRCh38, chr6:152,334,126, plus strand): 5'-TACAGTCATGGTAATCTCTTGTTCTCTGAAGATCCTCTTCCCTTTGCAAGCACAGGTTGT[T>G]AGACTGACGGCACAAATCGAGCCACTGATCATTTAAATGATTTATTTCCTTGTGTTCAGG-3'
Protein context (NP_892006.3, residues 4216-4236): DQWLDLCRQS[Asn4226His]NLCLQREEDL